The following is an entry in ClinVar:

ClinVar aggregate classification (germline): Uncertain significance (1 of 4 stars; one submission).

Allele frequency attached by ClinVar (database versions not stated): gnomAD 0.00001; TOPMed 0.00001; gnomAD exomes 0.00003.

Submission:

Labcorp Genetics (formerly Invitae), Labcorp
Classification: Uncertain significance. Last evaluated: 2022-03-19. Review status: criteria provided, single submitter. Criteria: Invitae Variant Classification Sherloc (09022015). Collection method: clinical testing. Allele origin: germline.
Comment: This variant is not present in population databases (gnomAD no frequency). In summary, the available evidence is currently insufficient to determine the role of this variant in disease. Therefore, it has been classified as a Variant of Uncertain Significance. Algorithms developed to predict the effect of missense changes on protein structure and function (SIFT, PolyPhen-2, Align-GVGD) all suggest that this variant is likely to be tolerated. This variant has not been reported in the literature in individuals affected with SMARCD2-related conditions. This sequence change replaces proline, which is neutral and non-polar, with leucine, which is neutral and non-polar, at codon 54 of the SMARCD2 protein (p.Pro54Leu).

NM_001098426.2(SMARCD2):c.161C>T (p.Pro54Leu)

Genes: SMARCD2 (SWI/SNF related BAF chromatin remodeling complex subunit D2; minus strand), LOC130061409 (ATAC-STARR-seq lymphoblastoid silent region 8832; plus strand). Cytogenetic location: 17q23.3.
Variant type: single nucleotide variant.
Coding change: c.161C>T on transcript NM_001098426.2 (MANE Select); coding-DNA position 161, C replaced by T.
Protein change: p.Pro54Leu; replaces proline 54 with leucine.
Molecular consequence: missense variant.
Genome position (GRCh38, 1-based): chr17:63,842,514, G>A on the plus strand (C>T on the coding strand, the complement: SMARCD2 is on the minus strand). VCF-style: chr17-63842514-G-A. GRCh37 (hg19) VCF-style: chr17-61919874-G-A.
Other names: short protein forms P54L.
Identifiers: ClinVar variation 1388410 (VCV001388410.8), dbSNP rs1050208462, ClinGen allele CA292957767.